The following is an entry in ClinVar:

NM_004656.4(BAP1):c.38-2A>G

Gene: BAP1 (BRCA1 associated deubiquitinase 1; minus strand). Cytogenetic location: 3p21.1.
Variant type: single nucleotide variant.
Coding change: c.38-2A>G on transcript NM_004656.4 (MANE Select); the canonical splice acceptor site of the intron before coding-DNA position 38, A replaced by G.
Molecular consequence: splice acceptor variant.
Genome position (GRCh38, 1-based): chr3:52,409,745, T>C on the plus strand (A>G on the coding strand, the complement: BAP1 is on the minus strand). VCF-style: chr3-52409745-T-C. GRCh37 (hg19) VCF-style: chr3-52443761-T-C.
Other names: c.38-2A>G (NM_001410772.1, NM_004656.3).
Identifiers: ClinVar variation 1489173 (VCV001489173.16), dbSNP rs2153228637, ClinGen allele CA353115005.

ClinVar aggregate classification (germline): Conflicting classifications of pathogenicity. Review status: criteria provided, conflicting classifications (1 of 4 stars). 5 submissions from 5 submitters: Likely pathogenic (4); Uncertain significance (1). Last evaluated 2025-09-24.

Conditions:
Hereditary cancer-predisposing syndrome. Also called: Neoplastic Syndromes, Hereditary; Hereditary neoplastic syndrome; Tumor predisposition; Hereditary Cancer Syndrome. Identifiers: Orphanet 140162, MedGen C0027672, MeSH D009386, MONDO:0015356.
BAP1-related tumor predisposition syndrome (TPDS1). Also called: TUMOR PREDISPOSITION SYNDROME 1; Tumor susceptibility linked to germline BAP1 mutations; COMMON Syndrome; BAP1 tumor predisposition syndrome. Identifiers: Orphanet 289539, MedGen C3280492, MONDO:0013692, OMIM 614327.

Submissions (5):

Ambry Genetics
Classification: Likely pathogenic for Hereditary cancer-predisposing syndrome. Last evaluated: 2025-09-24. Review status: criteria provided, single submitter. Criteria: Ambry Variant Classification Scheme 2023. Collection method: clinical testing. Allele origin: germline.
Comment: The c.38-2A>G intronic variant results from an A to G substitution two nucleotides upstream from coding exon 2 in the BAP1 gene. In silico splice site analysis predicts that this alteration will weaken the native splice acceptor site and will result in the creation or strengthening of a novel splice acceptor site. The resulting transcript is in-frame and is not expected to trigger nonsense-mediated mRNA decay (Ambry internal data). This alteration was non-functional in a high throughput genome editing haploid cell survival functional assay (Waters, AJ et al. Nat Genet 2024 Jul;56(7):1434-1445). Another variant impacting the same acceptor site (c.38-1G>C) has been identified in individual(s) with features consistent with BAP1-associated disease (Ambry internal data). This nucleotide position is highly conserved in available vertebrate species. This variant is considered to be rare based on population cohorts in the Genome Aggregation Database (gnomAD). Based on the majority of available evidence to date, this variant is likely to be pathogenic.

GeneDx
Classification: Likely pathogenic. Last evaluated: 2025-07-29. Review status: criteria provided, single submitter. Criteria: GeneDx Variant Classification Process June 2021. Collection method: clinical testing. Allele origin: germline.
Comment: Canonical splice site variant predicted to result in an in-frame loss of the adjacent exon in a gene for which loss of function is a known mechanism of disease; Not observed at significant frequency in large population cohorts (gnomAD); Observed in a patient with lung cancer (PMID: 31721094); This variant is associated with the following publications: (PMID: 31721094)

Labcorp Genetics (formerly Invitae), Labcorp
Classification: Likely pathogenic for BAP1-related tumor predisposition syndrome. Last evaluated: 2025-07-18. Review status: criteria provided, single submitter. Criteria: Invitae Variant Classification Sherloc (09022015). Collection method: clinical testing. Allele origin: germline.
Comment: This sequence change affects an acceptor splice site in intron 1 of the BAP1 gene. It is expected to disrupt RNA splicing. Variants that disrupt the donor or acceptor splice site typically lead to a loss of protein function (PMID: 16199547), and loss-of-function variants in BAP1 are known to be pathogenic (PMID: 21874000, 23684012). This variant is not present in population databases (gnomAD no frequency). Disruption of this splice site has been observed in individuals with BAP1-related cancers (PMID: 35032816; internal data). ClinVar contains an entry for this variant (Variation ID: 1489173). Studies have shown that disruption of this splice site is associated with altered splicing resulting in multiple RNA products (internal data). In summary, the currently available evidence indicates that the variant is pathogenic, but additional data are needed to prove that conclusively. Therefore, this variant has been classified as Likely Pathogenic.

Quest Diagnostics Nichols Institute San Juan Capistrano
Classification: Uncertain significance. Last evaluated: 2024-10-16. Review status: criteria provided, single submitter. Criteria: Quest Diagnostics criteria. Collection method: clinical testing. Allele origin: unknown.
Comment: The BAP1 c.38-2A>G variant disrupts a canonical splice-acceptor site and is predicted to interfere with normal BAP1 mRNA splicing. However, it is not expected to cause loss of protein expression through nonsense-mediated decay and may still disrupt protein function. This variant has been reported in the published literature in an individual with lung adenocarcinoma (PMID: 31721094 (2020)). This variant has not been reported in large, multi-ethnic general populations (Genome Aggregation Database). Based on the available information, we are unable to determine the clinical significance of this variant.

Myriad Genetics, Inc.
Classification: Likely pathogenic for BAP1-related tumor predisposition syndrome. Last evaluated: 2023-05-17. Review status: criteria provided, single submitter. Criteria: Myriad Autosomal Dominant, Autosomal Recessive and X-Linked Classification Criteria (2023). Collection method: clinical testing. Allele origin: unknown.
Comment: This variant is considered likely pathogenic. This variant occurs within a consensus splice junction and is predicted to result in abnormal mRNA splicing of either an out-of-frame exon or an in-frame exon necessary for protein stability and/or normal function.

Literature cited by the submitters: PubMed 38969833 (cited by Ambry Genetics); PubMed 16199547 (cited by Labcorp Genetics (formerly Invitae), Labcorp); PubMed 21874000 (cited by Labcorp Genetics (formerly Invitae), Labcorp); PubMed 23684012 (cited by Labcorp Genetics (formerly Invitae), Labcorp); PubMed 35032816 (cited by Labcorp Genetics (formerly Invitae), Labcorp); PubMed 31721094 (cited by Quest Diagnostics Nichols Institute San Juan Capistrano).